The following is an entry in ClinVar:

ClinVar aggregate classification (germline): Uncertain significance (1 of 4 stars; one submission).

Conditions:
Progressive familial heart block type IB (PFHB1B). Identifiers: Orphanet 871, MedGen C1970298, MONDO:0011474, OMIM 604559.

gnomAD v4.1: 2 of 1,614,242 alleles (0.00012%); highest among the groups gnomAD compares: Non-Finnish European, 0.00017%; no homozygotes.

Submission:

Labcorp Genetics (formerly Invitae), Labcorp
Classification: Uncertain significance for Progressive familial heart block type IB. Last evaluated: 2026-01-18. Review status: criteria provided, single submitter. Criteria: Invitae Variant Classification Sherloc (09022015). Collection method: clinical testing. Allele origin: germline.
Comment: This sequence change replaces serine, which is neutral and polar, with cysteine, which is neutral and slightly polar, at codon 1083 of the TRPM4 protein (p.Ser1083Cys). This variant is present in population databases (rs773536040, gnomAD 0.0009%). This variant has not been reported in the literature in individuals affected with TRPM4-related conditions. An algorithm developed to predict the effect of missense changes on protein structure and function (PolyPhen-2) suggests that this variant is likely to be disruptive. In summary, the available evidence is currently insufficient to determine the role of this variant in disease. Therefore, it has been classified as a Variant of Uncertain Significance.

NM_017636.4(TRPM4):c.3248C>G (p.Ser1083Cys)

Gene: TRPM4 (transient receptor potential cation channel subfamily M member 4; plus strand). Cytogenetic location: 19q13.33.
Variant type: single nucleotide variant.
Coding change: c.3248C>G on transcript NM_017636.4 (MANE Select); coding-DNA position 3248, C replaced by G.
Protein change: p.Ser1083Cys; replaces serine 1083 with cysteine.
Molecular consequence: missense variant.
Genome position (GRCh38, 1-based): chr19:49,210,325, C>G. VCF-style: chr19-49210325-C-G. GRCh37 (hg19) VCF-style: chr19-49713582-C-G.
Other names: c.2813C>G, p.Ser938Cys (NM_001195227.2); c.2903C>G, p.Ser968Cys (NM_001321281.2); c.1640C>G, p.Ser547Cys (NM_001321282.2); c.2726C>G, p.Ser909Cys (NM_001321283.2); c.2186C>G, p.Ser729Cys (NM_001321285.2); short protein forms S1083C, S968C, S547C, S909C, S729C, S938C.
Identifiers: ClinVar variation 4777292 (VCV004777292.1).